The following is an entry in ClinVar:

ClinVar aggregate classification (germline): Uncertain significance (1 of 4 stars; one submission).

Conditions:
Beckwith-Wiedemann syndrome (BWS). Also called: Exomphalos macroglossia gigantism syndrome; EMG SYNDROME. Identifiers: Orphanet 116, MedGen C0004903, MONDO:0007534, OMIM 130650.

Submission:

Labcorp Genetics (formerly Invitae), Labcorp
Classification: Uncertain significance for Beckwith-Wiedemann syndrome. Last evaluated: 2025-03-17. Review status: criteria provided, single submitter. Criteria: Invitae Variant Classification Sherloc (09022015). Collection method: clinical testing. Allele origin: germline.
Comment: This sequence change replaces proline, which is neutral and non-polar, with leucine, which is neutral and non-polar, at codon 216 of the CDKN1C protein (p.Pro216Leu). This variant is not present in population databases (gnomAD no frequency). This variant has not been reported in the literature in individuals affected with CDKN1C-related conditions. ClinVar contains an entry for this variant (Variation ID: 2147704). Invitae Evidence Modeling of protein sequence and biophysical properties (such as structural, functional, and spatial information, amino acid conservation, physicochemical variation, residue mobility, and thermodynamic stability) indicates that this missense variant is not expected to disrupt CDKN1C protein function with a negative predictive value of 80%. In summary, the available evidence is currently insufficient to determine the role of this variant in disease. Therefore, it has been classified as a Variant of Uncertain Significance.

NM_001122630.2(CDKN1C):c.614C>T (p.Pro205Leu)

Gene: CDKN1C (cyclin dependent kinase inhibitor 1C; minus strand). Cytogenetic location: 11p15.4.
Variant type: single nucleotide variant.
Coding change: c.614C>T on transcript NM_001122630.2 (MANE Select); coding-DNA position 614, C replaced by T.
Protein change: p.Pro205Leu; replaces proline 205 with leucine.
Molecular consequence: missense variant. On other transcripts: intron variant (1).
Genome position (GRCh38, 1-based): chr11:2,884,843, G>A on the plus strand (C>T on the coding strand, the complement: CDKN1C is on the minus strand). VCF-style: chr11-2884843-G-A. GRCh37 (hg19) VCF-style: chr11-2906073-G-A.
Other names: c.647C>T, p.Pro216Leu (NM_000076.2, NM_001362474.2); c.614C>T, p.Pro205Leu (NM_001122631.2); c.255+359C>T (NM_001362475.2); short protein forms P205L, P216L.
Identifiers: ClinVar variation 2147704 (VCV002147704.4), dbSNP rs2494385128, ClinGen allele CA379146102.